The following is an entry in ClinVar:

ClinVar aggregate classification (germline): Uncertain significance. Review status: criteria provided, multiple submitters, no conflicts (2 of 4 stars). 4 submissions from 4 submitters: Uncertain significance (4). Last evaluated 2025-11-17.

Conditions:
Hereditary cancer-predisposing syndrome. Also called: Neoplastic Syndromes, Hereditary; Hereditary neoplastic syndrome; Tumor predisposition; Hereditary Cancer Syndrome. Identifiers: Orphanet 140162, MedGen C0027672, MeSH D009386, MONDO:0015356.
Ataxia-telangiectasia syndrome (AT). Also called: Ataxia-telangiectasia, complementation group D; AT, COMPLEMENTATION GROUP C; Ataxia telangiectasia (A-T); Cerebello-oculocutaneous telangiectasia; Immunodeficiency with ataxia telangiectasia; ATAXIA-TELANGIECTASIA, COMPLEMENTATION GROUP A. Identifiers: Orphanet 100, MedGen C0004135, MONDO:0008840, OMIM 208900.

Allele frequency attached by ClinVar (database versions not stated): gnomAD exomes below 0.00001 and 0.00001; ExAC 0.00001.
gnomAD v4.1: 2 of 1,613,894 alleles (0.00012%); highest among the groups gnomAD compares: Non-Finnish European, 0.00017%; no homozygotes.

Submissions (4):

Labcorp Genetics (formerly Invitae), Labcorp
Classification: Uncertain significance for Ataxia-telangiectasia syndrome. Last evaluated: 2025-11-17. Review status: criteria provided, single submitter. Criteria: Invitae Variant Classification Sherloc (09022015). Collection method: clinical testing. Allele origin: germline.
Comment: This sequence change replaces phenylalanine, which is neutral and non-polar, with serine, which is neutral and polar, at codon 570 of the ATM protein (p.Phe570Ser). This variant is present in population databases (rs777301065, gnomAD 0.002%). This missense change has been observed in individual(s) with ataxia-telangiectasia (PMID: 9887333). ClinVar contains an entry for this variant (Variation ID: 661564). Invitae Evidence Modeling of protein sequence and biophysical properties (such as structural, functional, and spatial information, amino acid conservation, physicochemical variation, residue mobility, and thermodynamic stability) indicates that this missense variant is not expected to disrupt ATM protein function with a negative predictive value of 95%. Experimental studies have shown that this missense change does not substantially affect ATM function (PMID: 18634022). In summary, the available evidence is currently insufficient to determine the role of this variant in disease. Therefore, it has been classified as a Variant of Uncertain Significance.

Center for Genomic Medicine, Rigshospitalet, Copenhagen University Hospital
Classification: Uncertain significance. Last evaluated: 2025-03-04. Review status: criteria provided, single submitter. Criteria: ACMG Guidelines, 2015. Collection method: clinical testing. Allele origin: germline.

Ambry Genetics
Classification: Uncertain significance for Hereditary cancer-predisposing syndrome. Last evaluated: 2025-01-22. Review status: criteria provided, single submitter. Criteria: Ambry Variant Classification Scheme 2023. Collection method: clinical testing. Allele origin: germline.
Comment: The p.F570S variant (also known as c.1709T>C), located in coding exon 10 of the ATM gene, results from a T to C substitution at nucleotide position 1709. The phenylalanine at codon 570 is replaced by serine, an amino acid with highly dissimilar properties. This alteration has been identified in multiple individuals diagnosed with atypical ataxia telangiectasia (AT) (Sandoval N et al. Hum Mol Genet, 1999 Jan;8:69-79; Mitui M et al. Hum. Mutat., 2009 Jan;30:12-21). In vitro analysis showed normal ATM protein expression level, autophosphorylation and radiosensitivity (Mitui M et al. Hum. Mutat., 2009 Jan;30:12-21).This amino acid position is not well conserved in available vertebrate species. In addition, this alteration is predicted to be tolerated by in silico analysis. Based on the available evidence, the clinical significance of this variant remains unclear.

Victorian Clinical Genetics Services, Murdoch Childrens Research Institute
Classification: Uncertain significance for Ataxia-telangiectasia syndrome. Last evaluated: 2021-05-06. Review status: criteria provided, single submitter. Criteria: ACMG Guidelines, 2015. Collection method: clinical testing. Allele origin: germline. Inheritance: Autosomal recessive inheritance.
Comment: Based on the classification scheme VCGS_Germline_v1.3.4, this variant is classified as 3C-VUS. Following criteria are met: 0102 - Loss of function is a known mechanism of disease in this gene and is associated with ataxia-telangiectasia (MIM#208900). (I) 0106 - This gene is associated with autosomal recessive disease. (I) 0115 - Variants in this gene are known to have variable expressivity. Variable age of onset and rate of disease progression have been reported for affected individuals within the same family (PMIDs: 20301790, 27884168). (I) 0200 - Variant is predicted to result in a missense amino acid change from phenylalanine to serine. (I) 0219 - This variant is non-coding in an alternative transcript. However, it is coding in the transcript predominantly reported in ClinVar. (I) 0251 - This variant is heterozygous. (I) 0304 - Variant is present in gnomAD <0.01 for a recessive condition (2 heterozygotes, 0 homozygotes). (SP) 0503 - Missense variant consistently predicted to be tolerated by multiple in silico tools or not conserved in placental mammals with a minor amino acid change. (SB) 0604 - Variant is not located in an established domain, motif, hotspot or informative constraint region. (I) 0705 - No comparable missense variants have previous evidence for pathogenicity. (I) 0809 - Previous evidence of pathogenicity for this variant is inconclusive. It has been identified in two heterozygote siblings with AT, however a second variant was not found (PMID: 9887333). (I) 0905 - No published segregation evidence has been identified for this variant. (I) 1004 - This variant has moderate functional evidence supporting normal protein function. Functional studies have concluded that this variant does not impact protein expression and ATM kinase activity (PMID: 18634022). (SB) 1208 - Inheritance information for this variant is not currently available in this individual. (I) Legend: (SP) - Supporting pathogenic, (I) - Information, (SB) - Supporting benign

Literature cited by the submitters: PubMed 9887333 (cited by 3 submitters); PubMed 18634022 (cited by 4 submitters); PubMed 20301790 (cited by Victorian Clinical Genetics Services, Murdoch Childrens Research Institute); PubMed 27884168 (cited by Victorian Clinical Genetics Services, Murdoch Childrens Research Institute).

NM_000051.4(ATM):c.1709T>C (p.Phe570Ser)

Gene: ATM (ATM serine/threonine kinase; plus strand). Cytogenetic location: 11q22.3.
Variant type: single nucleotide variant.
Coding change: c.1709T>C on transcript NM_000051.4 (MANE Select); coding-DNA position 1709, T replaced by C.
Protein change: p.Phe570Ser; replaces phenylalanine 570 with serine.
Molecular consequence: missense variant.
Genome position (GRCh38, 1-based): chr11:108,251,938, T>C. VCF-style: chr11-108251938-T-C. GRCh37 (hg19) VCF-style: chr11-108122665-T-C.
Other names: c.1709T>C, p.Phe570Ser (NM_001351834.2); short protein forms F570S.
Identifiers: ClinVar variation 661564 (VCV000661564.15), dbSNP rs777301065, ClinGen allele CA6264859.